The following is an entry in ClinVar:

NM_031407.7(HUWE1):c.4297C>G (p.Gln1433Glu)

Gene: HUWE1 (HECT, UBA and WWE domain containing E3 ubiquitin protein ligase 1; minus strand). Cytogenetic location: Xp11.22.
Variant type: single nucleotide variant.
Coding change: c.4297C>G on transcript NM_031407.7 (MANE Select); coding-DNA position 4297, C replaced by G.
Protein change: p.Gln1433Glu; replaces glutamine 1433 with glutamic acid.
Molecular consequence: missense variant.
Genome position (GRCh38, 1-based): chrX:53,589,711, G>C on the plus strand (C>G on the coding strand, the complement: HUWE1 is on the minus strand). VCF-style: chrX-53589711-G-C. GRCh37 (hg19) VCF-style: chrX-53616671-G-C.
Other names: short protein forms Q1433E.
Identifiers: ClinVar variation 3690965 (VCV003690965.2).
Genomic context (GRCh38, chrX:53,589,711, plus strand): 5'-CATCAAGAAGGTGGAAGCAGCCTGGCAACATAGTATCTGTGAAAGTGTGGAGCTCATCTT[G>C]TTCCAACGGGTCAGCATCCTGGAACTTCTCTAGACATTTAGCCTCTTCCTCCTCCTGCTT-3'
Protein context (NP_113584.3, residues 1423-1443): EKFQDADPLE[Gln1433Glu]DELHTFTDTM

ClinVar aggregate classification (germline): Uncertain significance (1 of 4 stars; one submission).

Submission:

Labcorp Genetics (formerly Invitae), Labcorp
Classification: Uncertain significance. Last evaluated: 2024-07-03. Review status: criteria provided, single submitter. Criteria: Invitae Variant Classification Sherloc (09022015). Collection method: clinical testing. Allele origin: germline.
Comment: This sequence change replaces glutamine, which is neutral and polar, with glutamic acid, which is acidic and polar, at codon 1433 of the HUWE1 protein (p.Gln1433Glu). This variant is not present in population databases (gnomAD no frequency). This variant has not been reported in the literature in individuals affected with HUWE1-related conditions. Advanced modeling of protein sequence and biophysical properties (such as structural, functional, and spatial information, amino acid conservation, physicochemical variation, residue mobility, and thermodynamic stability) performed at Invitae indicates that this missense variant is not expected to disrupt HUWE1 protein function with a negative predictive value of 95%. In summary, the available evidence is currently insufficient to determine the role of this variant in disease. Therefore, it has been classified as a Variant of Uncertain Significance.